The following is an entry in ClinVar:

NM_170744.5(UNC5B):c.2262G>T (p.Leu754=)

Gene: UNC5B (unc-5 netrin receptor B; plus strand). Cytogenetic location: 10q22.1.
Variant type: single nucleotide variant.
Coding change: c.2262G>T on transcript NM_170744.5 (MANE Select); coding-DNA position 2262, G replaced by T.
Protein change: p.Leu754=; no amino-acid change (leucine 754 retained).
Molecular consequence: synonymous variant.
Genome position (GRCh38, 1-based): chr10:71,295,897, G>T. VCF-style: chr10-71295897-G-T. GRCh37 (hg19) VCF-style: chr10-73055654-G-T.
Other names: c.2229G>T, p.Leu743= (NM_001244889.2).
Identifiers: ClinVar variation 2640567 (VCV002640567.24), dbSNP rs1480728283, ClinGen allele CA470057160.

ClinVar aggregate classification (germline): Likely benign (1 of 4 stars; one submission).

Allele frequency attached by ClinVar (database versions not stated): gnomAD exomes 0.00001.

Submission:

CeGaT Center for Human Genetics Tuebingen
Classification: Likely benign. Last evaluated: 2022-09-01. Review status: criteria provided, single submitter. Criteria: CeGaT Center For Human Genetics Tuebingen Variant Classification Criteria Version 2. Collection method: clinical testing. Allele origin: germline. Affected: yes. Observed: 1 variant allele.
Comment: UNC5B: BP4, BP7